The following is an entry in ClinVar:

ClinVar aggregate classification (germline): Benign (0 of 4 stars; one submission).

Conditions:
MAP3K15-related disorder. Also called: MAP3K15-related condition.

Submission:

PreventionGenetics, part of Exact Sciences
Classification: Benign for MAP3K15-related condition. Last evaluated: 2019-02-20. Review status: no assertion criteria provided. Collection method: clinical testing. Allele origin: germline.
Comment: This variant is classified as benign based on ACMG/AMP sequence variant interpretation guidelines (Richards et al. 2015 PMID: 25741868, with internal and published modifications).

NM_001001671.4(MAP3K15):c.3295-4_3295-3del

Gene: MAP3K15 (mitogen-activated protein kinase kinase kinase 15; minus strand). Cytogenetic location: Xp22.12.
Variant type: Deletion.
Coding change: c.3295-4_3295-3del on transcript NM_001001671.4 (MANE Select); 4 bases into the intron before coding-DNA position 3295 through 3 bases into the intron before coding-DNA position 3295, 2 bases deleted (TT; older notation c.3295-4_3295-3delTT).
Molecular consequence: intron variant.
Genome position (GRCh38, 1-based): chrX:19,371,067-19,371,068, AA deleted on the plus strand (TT on the coding strand, the reverse complement: MAP3K15 is on the minus strand); deleting any 2 consecutive bases within chrX:19,371,067-19,371,080 gives the same sequence; the c. name uses the placement nearest the transcript's 3' end. VCF-style (leftmost placement, unchanged base first): chrX-19371066-TAA-T. GRCh37 (hg19) VCF-style: chrX-19389184-TAA-T.
Identifiers: ClinVar variation 3039349 (VCV003039349.2), dbSNP rs372545551, ClinGen allele CA10363480.